The following is an entry in ClinVar:

NM_018344.6(SLC29A3):c.1359G>A (p.Met453Ile)

Gene: SLC29A3 (solute carrier family 29 member 3; plus strand). Cytogenetic location: 10q22.1.
Variant type: single nucleotide variant.
Coding change: c.1359G>A on transcript NM_018344.6 (MANE Select); coding-DNA position 1359, G replaced by A.
Protein change: p.Met453Ile; replaces methionine 453 with isoleucine.
Molecular consequence: missense variant. On other transcripts: 3 prime UTR variant (1), non-coding transcript variant (2).
Genome position (GRCh38, 1-based): chr10:71,362,539, G>A. VCF-style: chr10-71362539-G-A. GRCh37 (hg19) VCF-style: chr10-73122296-G-A.
Other names: c.*588G>A (NM_001174098.2); c.1125G>A, p.Met375Ile (NM_001363518.2); short protein forms M453I, M375I.
Identifiers: ClinVar variation 2060659 (VCV002060659.4), dbSNP rs2492507588, ClinGen allele CA377117540.

ClinVar aggregate classification (germline): Uncertain significance (1 of 4 stars; one submission).

Conditions:
H syndrome. Also called: FAISALABAD HISTIOCYTOSIS; HISTIOCYTOSIS AND LYMPHADENOPATHY WITH OR WITHOUT CUTANEOUS, CARDIAC, AND/OR ENDOCRINE FEATURES, JOINT CONTRACTURES, AND/OR DEAFNESS; HYPERPIGMENTATION, CUTANEOUS, WITH HYPERTRICHOSIS, HEPATOSPLENOMEGALY, HEART ANOMALIES, AND HYPOGONADISM WITH OR WITHOUT HEARING LOSS; PIGMENTED HYPERTRICHOSIS WITH INSULIN-DEPENDENT DIABETES MELLITUS; ROSAI-DORFMAN DISEASE, FAMILIAL; SINUS HISTIOCYTOSIS AND MASSIVE LYMPHADENOPATHY. Identifiers: Orphanet 168569, MedGen C1864445, MONDO:0011273, OMIM 602782.

Submission:

Labcorp Genetics (formerly Invitae), Labcorp
Classification: Uncertain significance for H syndrome. Last evaluated: 2022-01-31. Review status: criteria provided, single submitter. Criteria: Invitae Variant Classification Sherloc (09022015). Collection method: clinical testing. Allele origin: germline.
Comment: This sequence change replaces methionine, which is neutral and non-polar, with isoleucine, which is neutral and non-polar, at codon 453 of the SLC29A3 protein (p.Met453Ile). This variant is not present in population databases (gnomAD no frequency). This variant has not been reported in the literature in individuals affected with SLC29A3-related conditions. Algorithms developed to predict the effect of missense changes on protein structure and function are either unavailable or do not agree on the potential impact of this missense change (SIFT: "Tolerated"; PolyPhen-2: "Possibly Damaging"; Align-GVGD: "Class C0"). In summary, the available evidence is currently insufficient to determine the role of this variant in disease. Therefore, it has been classified as a Variant of Uncertain Significance.